The following is an entry in ClinVar:

NM_014956.5(CEP164):c.1495G>A (p.Glu499Lys)

Gene: CEP164 (centrosomal protein 164; plus strand). Cytogenetic location: 11q23.3.
Variant type: single nucleotide variant.
Coding change: c.1495G>A on transcript NM_014956.5 (MANE Select); coding-DNA position 1495, G replaced by A.
Protein change: p.Glu499Lys; replaces glutamic acid 499 with lysine.
Molecular consequence: missense variant.
Genome position (GRCh38, 1-based): chr11:117,381,786, G>A. VCF-style: chr11-117381786-G-A. GRCh37 (hg19) VCF-style: chr11-117252502-G-A.
Other names: c.1504G>A, p.Glu502Lys (NM_001271933.2); short protein forms E499K, E502K.
Identifiers: ClinVar variation 964482 (VCV000964482.7), dbSNP rs763039493, ClinGen allele CA6294779.

ClinVar aggregate classification (germline): Uncertain significance. Review status: criteria provided, multiple submitters, no conflicts (2 of 4 stars). 3 submissions from 3 submitters: Uncertain significance (3). Last evaluated 2026-08-04.

Conditions:
Inborn genetic diseases. Identifiers: MedGen C0950123, MeSH D030342.
CEP164-related disorder. Also called: CEP164-related condition.
Nephronophthisis 15 (NPHP15). Identifiers: Orphanet 3156, MedGen C3541853, MONDO:0013917, OMIM 614845.

Allele frequency attached by ClinVar (database versions not stated): gnomAD exomes 0.00003 and 0.00004; gnomAD 0.00004; TOPMed 0.00004; ExAC 0.00009.
gnomAD v4.1: 49 of 1,587,542 alleles (0.0031%); highest among the groups gnomAD compares: Admixed American, 0.0035%; no homozygotes.

Submissions (3):

PreventionGenetics, part of Exact Sciences
Classification: Uncertain significance for CEP164-related condition. Last evaluated: 2026-08-04. Review status: criteria provided, single submitter. Criteria: ACMG Guidelines, 2015. Collection method: clinical testing. Allele origin: germline.
Comment: The CEP164 c.1495G>A variant is predicted to result in the amino acid substitution p.Glu499Lys. To our knowledge, this variant has not been reported in the literature. This variant is reported in 0.033% of alleles in individuals of Ashkenazi Jewish descent in gnomAD. At this time, the clinical significance of this variant is uncertain due to the absence of conclusive functional and genetic evidence.

Labcorp Genetics (formerly Invitae), Labcorp
Classification: Uncertain significance for Nephronophthisis 15. Last evaluated: 2025-01-23. Review status: criteria provided, single submitter. Criteria: Invitae Variant Classification Sherloc (09022015). Collection method: clinical testing. Allele origin: germline.
Comment: This sequence change replaces glutamic acid, which is acidic and polar, with lysine, which is basic and polar, at codon 499 of the CEP164 protein (p.Glu499Lys). This variant is present in population databases (rs763039493, gnomAD 0.03%). This variant has not been reported in the literature in individuals affected with CEP164-related conditions. ClinVar contains an entry for this variant (Variation ID: 964482). An algorithm developed to predict the effect of missense changes on protein structure and function outputs the following: PolyPhen-2: "Benign". The lysine amino acid residue is found in multiple mammalian species, which suggests that this missense change does not adversely affect protein function. In summary, the available evidence is currently insufficient to determine the role of this variant in disease. Therefore, it has been classified as a Variant of Uncertain Significance.

Ambry Genetics
Classification: Uncertain significance for Inborn genetic diseases. Last evaluated: 2024-01-24. Review status: criteria provided, single submitter. Criteria: Ambry Variant Classification Scheme 2023. Collection method: clinical testing. Allele origin: germline.